The following is an entry in ClinVar:

NM_000102.4(CYP17A1):c.1366A>T (p.Met456Leu)

Gene: CYP17A1 (cytochrome P450 family 17 subfamily A member 1; minus strand). Cytogenetic location: 10q24.32.
Variant type: single nucleotide variant.
Coding change: c.1366A>T on transcript NM_000102.4 (MANE Select); coding-DNA position 1366, A replaced by T.
Protein change: p.Met456Leu; replaces methionine 456 with leucine.
Molecular consequence: missense variant.
Genome position (GRCh38, 1-based): chr10:102,830,863, T>A on the plus strand (A>T on the coding strand, the complement: CYP17A1 is on the minus strand). VCF-style: chr10-102830863-T-A. GRCh37 (hg19) VCF-style: chr10-104590620-T-A.
Other names: short protein forms M456L.
Identifiers: ClinVar variation 4719001 (VCV004719001.1).

ClinVar aggregate classification (germline): Uncertain significance (1 of 4 stars; one submission).

Submission:

Labcorp Genetics (formerly Invitae), Labcorp
Classification: Uncertain significance. Last evaluated: 2025-05-05. Review status: criteria provided, single submitter. Criteria: Invitae Variant Classification Sherloc (09022015). Collection method: clinical testing. Allele origin: germline.
Comment: This sequence change replaces methionine, which is neutral and non-polar, with leucine, which is neutral and non-polar, at codon 456 of the CYP17A1 protein (p.Met456Leu). This variant is not present in population databases (gnomAD no frequency). This variant has not been reported in the literature in individuals affected with CYP17A1-related conditions. An algorithm developed to predict the effect of missense changes on protein structure and function outputs the following: PolyPhen-2: "Benign". The leucine amino acid residue is found in multiple mammalian species, which suggests that this missense change does not adversely affect protein function. In summary, the available evidence is currently insufficient to determine the role of this variant in disease. Therefore, it has been classified as a Variant of Uncertain Significance.